The following is an entry in ClinVar:

ClinVar aggregate classification (germline): Likely pathogenic (1 of 4 stars; one submission).

Conditions:
Intellectual developmental disorder, autosomal dominant 56. Also called: Intellectual disability, autosomal dominant 56; MENTAL RETARDATION, AUTOSOMAL DOMINANT 56. Identifiers: MedGen C4693389, MONDO:0030922, OMIM 617854.

Submission:

Genetics and Molecular Pathology, SA Pathology
Classification: Likely pathogenic for Intellectual developmental disorder, autosomal dominant 56. Last evaluated: 2022-09-05. Review status: criteria provided, single submitter. Criteria: ACMG Guidelines, 2015. Collection method: clinical testing. Allele origin: germline. Inheritance: Autosomal dominant inheritance. Affected: yes.
Comment: The CLTC c.4411_4413del variant is classified as LIKELY PATHOGENIC (PS2, PM2) This CLTC c.4411_4413del variant results in an inframe deletion in exon 28/32. This variant is absent from population databases (PM2). This variant has not been reported in dbSNP, ClinVar or HGMD.

NM_004859.4(CLTC):c.4411_4413del (p.Phe1471del)

Genes: CLTC (clathrin heavy chain; plus strand), LOC126862609 (CDK7 strongly-dependent group 2 enhancer GRCh37_chr17:57760547-57761746; plus strand). Cytogenetic location: 17q23.1.
Variant type: Deletion.
Coding change: c.4411_4413del on transcript NM_004859.4 (MANE Select); coding-DNA positions 4411 to 4413, 3 bases deleted (TTT; older notation c.4411_4413delTTT).
Protein change: p.Phe1471del; deletes phenylalanine 1471.
Molecular consequence: inframe deletion.
Genome position (GRCh38, 1-based): chr17:59,683,962-59,683,964, TTT deleted; deleting any 3 consecutive bases within chr17:59,683,960-59,683,964 gives the same sequence; the c. name uses the placement nearest the transcript's 3' end. VCF-style (leftmost placement, unchanged base first): chr17-59683959-CTTT-C. GRCh37 (hg19) VCF-style: chr17-57761320-CTTT-C.
Other names: c.4423_4425del, p.Phe1475del (NM_001288653.2); c.4411_4413delTTT (NM_004859.4); short protein forms F1471del, F1475del.
Identifiers: ClinVar variation 2664847 (VCV002664847.1), dbSNP rs2509155618, ClinGen allele CA2573320429.